The following is an entry in ClinVar:

ClinVar aggregate classification (germline): Uncertain significance (1 of 4 stars; one submission).

Conditions:
Joubert syndrome. Also called: CEREBELLOPARENCHYMAL DISORDER IV; JOUBERT-BOLTSHAUSER SYNDROME; Familial aplasia of the vermis. Identifiers: Orphanet 475, MedGen C5979921, MONDO:0018772.
Orofaciodigital syndrome I (OFD1). Also called: OFDS I; Papillon-Leage and Psaume Syndrome; Oral-Facial-Digital Syndrome Type I. Identifiers: Orphanet 2750, MedGen C1510460, MONDO:0010702, OMIM 311200.

gnomAD v4.1: 2 of 1,175,446 alleles (0.00017%); highest among the groups gnomAD compares: Admixed American, 0.0051%; no homozygotes.

Submission:

Labcorp Genetics (formerly Invitae), Labcorp
Classification: Uncertain significance for Orofaciodigital syndrome I; Joubert syndrome. Last evaluated: 2024-05-23. Review status: criteria provided, single submitter. Criteria: Invitae Variant Classification Sherloc (09022015). Collection method: clinical testing. Allele origin: germline.
Comment: This sequence change replaces phenylalanine, which is neutral and non-polar, with serine, which is neutral and polar, at codon 692 of the OFD1 protein (p.Phe692Ser). This variant is present in population databases (rs746733562, gnomAD 0.005%). This variant has not been reported in the literature in individuals affected with OFD1-related conditions. Advanced modeling of protein sequence and biophysical properties (such as structural, functional, and spatial information, amino acid conservation, physicochemical variation, residue mobility, and thermodynamic stability) performed at Invitae indicates that this missense variant is not expected to disrupt OFD1 protein function with a negative predictive value of 80%. In summary, the available evidence is currently insufficient to determine the role of this variant in disease. Therefore, it has been classified as a Variant of Uncertain Significance.

NM_003611.3(OFD1):c.2075T>C (p.Phe692Ser)

Gene: OFD1 (OFD1 centriole and centriolar satellite protein; plus strand). Cytogenetic location: Xp22.2.
Variant type: single nucleotide variant.
Coding change: c.2075T>C on transcript NM_003611.3 (MANE Select); coding-DNA position 2075, T replaced by C.
Protein change: p.Phe692Ser; replaces phenylalanine 692 with serine.
Molecular consequence: missense variant.
Genome position (GRCh38, 1-based): chrX:13,760,535, T>C. VCF-style: chrX-13760535-T-C. GRCh37 (hg19) VCF-style: chrX-13778654-T-C.
Other names: c.1955T>C, p.Phe652Ser (NM_001330209.2); c.1655T>C, p.Phe552Ser (NM_001330210.2); short protein forms F552S, F652S, F692S.
Identifiers: ClinVar variation 3758816 (VCV003758816.2).